The following is an entry in ClinVar:

NM_001177701.3(IFT27):c.115-6C>T

Gene: IFT27 (intraflagellar transport 27; minus strand). Cytogenetic location: 22q12.3.
Variant type: single nucleotide variant.
Coding change: c.115-6C>T on transcript NM_001177701.3 (MANE Select); 6 bases into the intron before coding-DNA position 115, C replaced by T.
Molecular consequence: intron variant.
Genome position (GRCh38, 1-based): chr22:36,767,371, G>A on the plus strand (C>T on the coding strand, the complement: IFT27 is on the minus strand). VCF-style: chr22-36767371-G-A. GRCh37 (hg19) VCF-style: chr22-37163415-G-A.
Other names: c.115-6C>T (NM_001363003.2); c.112-6C>T (NM_006860.5, NM_006860.4).
Identifiers: ClinVar variation 1138890 (VCV001138890.11), dbSNP rs1012220177, ClinGen allele CA324009084.
Genomic context (GRCh38, chr22:36,767,371, plus strand): 5'-TGTCTCCCGTGTCAGGAACTGGCACTGTCTTCACCACCAAATCCATTCCTGTTGTCTGCC[G>A]AGGAACACCAAGAATGTTAGCACTGAGGGCCCCCAAAGGGAGAGCATGTTACAGGAGGAC-3'

ClinVar aggregate classification (germline): Likely benign. Review status: criteria provided, single submitter (1 of 4 stars). 2 submissions from 2 submitters: Likely benign (1). 1 of the submissions does not count toward it. Last evaluated 2024-12-02.

Conditions:
IFT27-related disorder. Also called: IFT27-related condition.

Allele frequency attached by ClinVar (database versions not stated): TOPMed below 0.00001.
gnomAD v4.1: 6 of 1,610,862 alleles (0.00037%); highest among the groups gnomAD compares: Non-Finnish European, 0.00051%; no homozygotes.

Submissions (2):

Labcorp Genetics (formerly Invitae), Labcorp
Classification: Likely benign. Last evaluated: 2024-12-02. Review status: criteria provided, single submitter. Criteria: Invitae Variant Classification Sherloc (09022015). Collection method: clinical testing. Allele origin: germline.

PreventionGenetics, part of Exact Sciences
Classification: Likely benign for IFT27-related condition. Last evaluated: 2021-09-27. Review status: no assertion criteria provided. Collection method: clinical testing. Allele origin: germline. Not counted in ClinVar's aggregate classification.
Comment: This variant is classified as likely benign based on ACMG/AMP sequence variant interpretation guidelines (Richards et al. 2015 PMID: 25741868, with internal and published modifications).